The following is an entry in ClinVar:

ClinVar aggregate classification (germline): Benign. Review status: criteria provided, multiple submitters, no conflicts (2 of 4 stars). 4 submissions from 2 submitters: Benign (4). Last evaluated 2018-01-12.

Conditions:
Primary erythromelalgia. Also called: SCN9A Erythromelalgia (SCN9A-EM); primary erythermalgia. Identifiers: Orphanet 306577, Orphanet 90026, MedGen C0014805, MONDO:0007571, OMIM 133020.
Paroxysmal extreme pain disorder (PEXPD). Also called: PAIN, SUBMANDIBULAR, OCULAR, AND RECTAL, WITH FLUSHING; RECTAL PAIN, FAMILIAL; SCN9A Paroxysmal Extreme Pain Disorder (SCN9A-PEPD). Identifiers: Orphanet 46348, MedGen C1833661, MONDO:0008179, OMIM 167400.
Channelopathy-associated congenital insensitivity to pain, autosomal recessive. Also called: Insensitivity to pain, channelopathy-associated; ASYMBOLIA FOR PAIN; CONGENITAL ANALGESIA, AUTOSOMAL RECESSIVE. Identifiers: Orphanet 88642, Orphanet 970, MedGen C1855739, MONDO:0009459, OMIM 243000.

Allele frequency attached by ClinVar (database versions not stated): 1000 Genomes Project 30x 0.06574; 1000 Genomes Project 0.06689; TOPMed 0.08848.

Submissions (4):

Illumina Laboratory Services, Illumina
Classification: Benign for Primary erythromelalgia. Last evaluated: 2018-01-12. Review status: criteria provided, single submitter. Criteria: ICSL Variant Classification Criteria 13 December 2019. Collection method: clinical testing. Allele origin: germline.
Comment: This variant was observed in the ICSL laboratory as part of a predisposition screen in an ostensibly healthy population. It had not been previously curated by ICSL or reported in the Human Gene Mutation Database (HGMD: prior to June 1st, 2018), and was therefore a candidate for classification through an automated scoring system. Utilizing variant allele frequency, disease prevalence and penetrance estimates, and inheritance mode, an automated score was calculated to assess if this variant is too frequent to cause the disease. Based on the score and internal cut-off values, a variant classified as benign is not then subjected to further curation. The score for this variant resulted in a classification of benign for this disease.

Illumina Laboratory Services, Illumina
Classification: Benign for Channelopathy-associated congenital insensitivity to pain, autosomal recessive. Last evaluated: 2018-01-12. Review status: criteria provided, single submitter. Criteria: ICSL Variant Classification Criteria 13 December 2019. Collection method: clinical testing. Allele origin: germline.
Comment: the same text as in the submission from Illumina Laboratory Services, Illumina above.

Illumina Laboratory Services, Illumina
Classification: Benign for Paroxysmal extreme pain disorder. Last evaluated: 2018-01-12. Review status: criteria provided, single submitter. Criteria: ICSL Variant Classification Criteria 13 December 2019. Collection method: clinical testing. Allele origin: germline.
Comment: the same text as in the submission from Illumina Laboratory Services, Illumina above.

Breakthrough Genomics
Classification: Benign. Review status: criteria provided, single submitter. Criteria: ACMG Guidelines, 2015. Collection method: not provided. Allele origin: germline. Inheritance: Autosomal recessive inheritance. Affected: yes.

NM_001365536.1(SCN9A):c.*2154C>G

Genes: SCN1A-AS1 (SCN1A and SCN9A antisense RNA 1; plus strand), SCN9A (sodium voltage-gated channel alpha subunit 9; minus strand). Cytogenetic location: 2q24.3.
Variant type: single nucleotide variant.
Coding change: c.*2154C>G on transcript NM_001365536.1 (MANE Select); 2154 bases downstream of the stop codon, C replaced by G.
Molecular consequence: 3 prime UTR variant.
Genome position (GRCh38, 1-based): chr2:166,196,518, G>C on the plus strand (C>G on the coding strand, the complement: SCN9A is on the minus strand). VCF-style: chr2-166196518-G-C. GRCh37 (hg19) VCF-style: chr2-167053028-G-C.
Other names: c.*2154C>G (NM_002977.4).
Identifiers: ClinVar variation 331920 (VCV000331920.7), dbSNP rs17804037, ClinGen allele CA10612769.